The following is an entry in ClinVar:

NM_005219.5(DIAPH1):c.88G>T (p.Gly30Cys)

Gene: DIAPH1 (diaphanous related formin 1; minus strand). Cytogenetic location: 5q31.3.
Variant type: single nucleotide variant.
Coding change: c.88G>T on transcript NM_005219.5 (MANE Select); coding-DNA position 88, G replaced by T.
Protein change: p.Gly30Cys; replaces glycine 30 with cysteine.
Molecular consequence: missense variant.
Genome position (GRCh38, 1-based): chr5:141,618,827, C>A on the plus strand (G>T on the coding strand, the complement: DIAPH1 is on the minus strand). VCF-style: chr5-141618827-C-A. GRCh37 (hg19) VCF-style: chr5-140998394-C-A.
Other names: c.88G>T, p.Gly30Cys (NM_001079812.3, NM_001314007.2); short protein forms G30C.
Identifiers: ClinVar variation 852715 (VCV000852715.10), dbSNP rs1034109754, ClinGen allele CA361508445.
Genomic context (GRCh38, chr5:141,618,827, plus strand): 5'-CAGGCAGGAGCGGGATGGGAGGGACACTCACAAATTTCTTAGATTTGCCGCCGTCGCCGC[C>A]CGCCGAGGGCAGCTCATCTGGGCTCCGGCCCTTCTTCTTGTCCCGGGTCCCGCGGCCGGG-3'
Protein context (NP_005210.3, residues 20-40): GRSPDELPSA[Gly30Cys]GDGGKSKKFT

ClinVar aggregate classification (germline): Uncertain significance (1 of 4 stars; one submission).

Conditions:
Progressive microcephaly-seizures-cortical blindness-developmental delay syndrome. Also called: Seizures, cortical blindness, and microcephaly syndrome. Identifiers: Orphanet 477814, MedGen C5567650, MONDO:0014714, OMIM 616632.
Autosomal dominant nonsyndromic hearing loss 1. Also called: DEAFNESS, AUTOSOMAL DOMINANT 1, WITH OR WITHOUT THROMBOCYTOPENIA; KONIGSMARK SYNDROME. Identifiers: Orphanet 90635, MedGen C1852282, MONDO:0007424, OMIM 124900.

Submission:

Labcorp Genetics (formerly Invitae), Labcorp
Classification: Uncertain significance for Progressive microcephaly-seizures-cortical blindness-developmental delay syndrome; Autosomal dominant nonsyndromic hearing loss 1. Last evaluated: 2022-07-12. Review status: criteria provided, single submitter. Criteria: Invitae Variant Classification Sherloc (09022015). Collection method: clinical testing. Allele origin: germline.
Comment: In summary, the available evidence is currently insufficient to determine the role of this variant in disease. Therefore, it has been classified as a Variant of Uncertain Significance. This sequence change replaces glycine, which is neutral and non-polar, with cysteine, which is neutral and slightly polar, at codon 30 of the DIAPH1 protein (p.Gly30Cys). This variant is not present in population databases (gnomAD no frequency). This variant has not been reported in the literature in individuals affected with DIAPH1-related conditions. ClinVar contains an entry for this variant (Variation ID: 852715). Algorithms developed to predict the effect of missense changes on protein structure and function are either unavailable or do not agree on the potential impact of this missense change (SIFT: "Deleterious"; PolyPhen-2: "Not Available"; Align-GVGD: "Class C0").